The following is an entry in ClinVar:

ClinVar aggregate classification (germline): Benign (1 of 4 stars; one submission).

Allele frequency attached by ClinVar (database versions not stated): 1000 Genomes Project 30x 0.26858; 1000 Genomes Project 0.27496; TOPMed 0.29984; gnomAD 0.30955 and 0.31250.
gnomAD v4.1: 47,471 of 151,944 alleles (31%); highest among the groups gnomAD compares: South Asian, 42%; 8,263 homozygotes.

Submission:

GeneDx
Classification: Benign. Last evaluated: 2018-06-14. Review status: criteria provided, single submitter. Criteria: GeneDx Variant Classification (06012015). Collection method: clinical testing. Allele origin: germline. Affected: yes.
Comment: This variant is considered likely benign or benign based on one or more of the following criteria: it is a conservative change, it occurs at a poorly conserved position in the protein, it is predicted to be benign by multiple in silico algorithms, and/or has population frequency not consistent with disease.

NM_003384.3(VRK1):c.889+261G>T

Gene: VRK1 (VRK serine/threonine kinase 1; plus strand). Cytogenetic location: 14q32.2.
Variant type: single nucleotide variant.
Coding change: c.889+261G>T on transcript NM_003384.3 (MANE Select); 261 bases into the intron after coding-DNA position 889, G replaced by T.
Molecular consequence: intron variant.
Genome position (GRCh38, 1-based): chr14:96,856,847, G>T. VCF-style: chr14-96856847-G-T. GRCh37 (hg19) VCF-style: chr14-97323184-G-T.
Identifiers: ClinVar variation 680844 (VCV000680844.1), dbSNP rs12892609, ClinGen allele CA13948709.